The following is an entry in ClinVar:

ClinVar aggregate classification (germline): Uncertain significance (1 of 4 stars; one submission).

Conditions:
Spastic paraplegia. Identifiers: MedGen C0037772, HP:0001258.

Submission:

Labcorp Genetics (formerly Invitae), Labcorp
Classification: Uncertain significance for Spastic paraplegia. Last evaluated: 2024-02-15. Review status: criteria provided, single submitter. Criteria: Invitae Variant Classification Sherloc (09022015). Collection method: clinical testing. Allele origin: germline.
Comment: This sequence change replaces aspartic acid, which is acidic and polar, with asparagine, which is neutral and polar, at codon 720 of the L1CAM protein (p.Asp720Asn). This variant is not present in population databases (gnomAD no frequency). This variant has not been reported in the literature in individuals affected with L1CAM-related conditions. Advanced modeling of protein sequence and biophysical properties (such as structural, functional, and spatial information, amino acid conservation, physicochemical variation, residue mobility, and thermodynamic stability) performed at Invitae indicates that this missense variant is not expected to disrupt L1CAM protein function with a negative predictive value of 95%. In summary, the available evidence is currently insufficient to determine the role of this variant in disease. Therefore, it has been classified as a Variant of Uncertain Significance.

NM_001278116.2(L1CAM):c.2158G>A (p.Asp720Asn)

Gene: L1CAM (L1 cell adhesion molecule; minus strand). Cytogenetic location: Xq28.
Variant type: single nucleotide variant.
Coding change: c.2158G>A on transcript NM_001278116.2 (MANE Select); coding-DNA position 2158, G replaced by A.
Protein change: p.Asp720Asn; replaces aspartic acid 720 with asparagine.
Molecular consequence: missense variant.
Genome position (GRCh38, 1-based): chrX:153,867,104, C>T on the plus strand (G>A on the coding strand, the complement: L1CAM is on the minus strand). VCF-style: chrX-153867104-C-T. GRCh37 (hg19) VCF-style: chrX-153132559-C-T.
Other names: c.2158G>A, p.Asp720Asn (NM_000425.5, NM_024003.3); c.2143G>A, p.Asp715Asn (NM_001143963.2); short protein forms D715N, D720N.
Identifiers: ClinVar variation 3611415 (VCV003611415.2).